The following is an entry in ClinVar:

ClinVar aggregate classification (germline): Uncertain significance (1 of 4 stars; one submission).

Conditions:
Cardiovascular phenotype. Identifiers: MedGen CN230736.
Hereditary cancer-predisposing syndrome. Also called: Neoplastic Syndromes, Hereditary; Tumor predisposition; Hereditary Cancer Syndrome; Hereditary neoplastic syndrome. Identifiers: Orphanet 140162, MedGen C0027672, MeSH D009386, MONDO:0015356.

Submission:

Ambry Genetics
Classification: Uncertain significance for Cardiovascular phenotype; Hereditary cancer-predisposing syndrome. Last evaluated: 2026-04-16. Review status: criteria provided, single submitter. Criteria: Ambry Variant Classification Scheme 2023. Collection method: clinical testing. Allele origin: germline.
Comment: The p.D315V variant (also known as c.944A>T), located in coding exon 9 of the LZTR1 gene, results from an A to T substitution at nucleotide position 944. The aspartic acid at codon 315 is replaced by valine, an amino acid with highly dissimilar properties. This amino acid position is conserved. In addition, this alteration is predicted to be deleterious by in silico analysis. Based on the available evidence, the clinical significance of this variant remains unclear.

NM_006767.4(LZTR1):c.944A>T (p.Asp315Val)

Gene: LZTR1 (leucine zipper like post translational regulator 1; plus strand). Cytogenetic location: 22q11.21.
Variant type: single nucleotide variant.
Coding change: c.944A>T on transcript NM_006767.4 (MANE Select); coding-DNA position 944, A replaced by T.
Protein change: p.Asp315Val; replaces aspartic acid 315 with valine.
Molecular consequence: missense variant.
Genome position (GRCh38, 1-based): chr22:20,991,780, A>T. VCF-style: chr22-20991780-A-T. GRCh37 (hg19) VCF-style: chr22-21346069-A-T.
Other names: short protein forms D315V.
Identifiers: ClinVar variation 4859386 (VCV004859386.1).